The following is an entry in ClinVar:

NM_000051.3:c.8844_8845insLINE1

Gene: ATM (ATM serine/threonine kinase; plus strand).
Variant type: Insertion.
Identifiers: ClinVar variation 870273 (VCV000870273.1).

ClinVar aggregate classification (germline): Pathogenic (1 of 4 stars; one submission).

Conditions:
Ataxia-telangiectasia syndrome (AT). Also called: Cerebello-oculocutaneous telangiectasia; Immunodeficiency with ataxia telangiectasia; Ataxia-telangiectasia, complementation group D; AT, COMPLEMENTATION GROUP C; Ataxia-telangiectasia; LOUIS-BAR SYNDROME. Identifiers: Orphanet 100, MedGen C0004135, MONDO:0008840, OMIM 208900.

Submission:

Labcorp Genetics (formerly Invitae), Labcorp
Classification: Pathogenic for Ataxia-telangiectasia syndrome. Last evaluated: 2019-01-31. Review status: criteria provided, single submitter. Criteria: Invitae Variant Classification Sherloc (09022015). Collection method: clinical testing. Allele origin: germline.
Comment: This sequence change inserts a large fragment of DNA, likely a transposable element, in exon 61 of the ATM gene (c.8844_8845insLINE1), causing a frameshift at codon 2949 (p.Val2949fs). The exact size and sequence of the insertion cannot be determined by the current assay. However, the insertion is expected to result in an absent or disrupted protein product. This variant is not present in population databases (ExAC no frequency). This variant has not been reported in the literature in individuals with ATM-related conditions. Retrotransposon insertions including LINE1 (L1), Alu, and SVA (SINE-VNTR-Alu) have been reported to be disease-causing through disruption of either a coding region or splice site (PMID: 19763152, 20307669, 22406018) and loss-of-function variants in ATM are known to be pathogenic (PMID: 23807571, 25614872). For these reasons, this variant has been classified as Pathogenic.

Literature cited by the submitters: PubMed 25614872; PubMed 20307669; PubMed 22406018; PubMed 23807571; PubMed 19763152.